The following is an entry in ClinVar:

ClinVar aggregate classification (germline): Benign. Review status: criteria provided, multiple submitters, no conflicts (2 of 4 stars). 3 submissions from 3 submitters: Benign (3). Last evaluated 2024-07-31.

Allele frequency attached by ClinVar (database versions not stated): 1000 Genomes Project 0.82049; TOPMed 0.82057; 1000 Genomes Project 30x 0.82105; gnomAD exomes 0.84264.
gnomAD v4.1: 1,336,790 of 1,590,972 alleles (84%); highest among the groups gnomAD compares: East Asian, 87%; 562,283 homozygotes.

Submissions (3):

Unidad de Genómica Garrahan, Hospital de Pediatría Garrahan
Classification: Benign. Last evaluated: 2024-07-31. Review status: criteria provided, single submitter. Criteria: ACMG Guidelines, 2015. Collection method: clinical testing. Allele origin: germline. Affected: no. Observed: 88 variant alleles.
Comment: This variant is classified as Benign based on local population frequency. This variant was detected in 95% of patients studied in a panel designed for Epileptic and Developmental Encephalopathy, Progressive Myoclonus Epilepsy and Abnormal Movements and Neurodegeneration with brain iron accumulation. Number of patients: 88. Only high quality variants are reported.

GeneDx
Classification: Benign. Last evaluated: 2018-06-25. Review status: criteria provided, single submitter. Criteria: GeneDx Variant Classification Process June 2021. Collection method: clinical testing. Allele origin: germline. Affected: yes.

Breakthrough Genomics
Classification: Benign. Review status: criteria provided, single submitter. Criteria: ACMG Guidelines, 2015. Collection method: not provided. Allele origin: germline. Inheritance: Autosomal recessive inheritance. Affected: yes.

NM_016373.4(WWOX):c.231-79T>G

Gene: WWOX (WW domain containing oxidoreductase; plus strand). Cytogenetic location: 16q23.1.
Variant type: single nucleotide variant.
Coding change: c.231-79T>G on transcript NM_016373.4 (MANE Select); 79 bases into the intron before coding-DNA position 231, T replaced by G.
Molecular consequence: intron variant.
Genome position (GRCh38, 1-based): chr16:78,114,897, T>G. VCF-style: chr16-78114897-T-G. GRCh37 (hg19) VCF-style: chr16-78148794-T-G.
Other names: c.-109-79T>G (NM_001291997.2); c.231-79T>G (NM_130791.5).
Identifiers: ClinVar variation 1295622 (VCV001295622.5), dbSNP rs1469117, ClinGen allele CA15879161.